The following is an entry in ClinVar:

ClinVar aggregate classification (germline): Likely pathogenic (1 of 4 stars; one submission).

Conditions:
Pilarowski-Bjornsson syndrome. Also called: DEVELOPMENTAL DELAY AND SPEECH APRAXIA WITH OR WITHOUT SEIZURES. Identifiers: Orphanet 529965, MedGen C4540131, MONDO:0060568, OMIM 617682.

Submission:

Victorian Clinical Genetics Services, Murdoch Childrens Research Institute
Classification: Likely pathogenic for Pilarowski-Bjornsson syndrome. Last evaluated: 2026-01-20. Review status: criteria provided, single submitter. Criteria: ACMG Guidelines, 2015. Collection method: clinical testing. Allele origin: germline. Affected: yes.
Comment: This variant is classified as Likely pathogenic. Evidence in support of pathogenic classification: Variant is predicted to cause nonsense-mediated decay (NMD) and loss of protein (premature termination codon is located at least 54 nucleotides upstream of the final exon-exon junction); Variant is absent from gnomAD (v2, v3 and v4); Other NMD-predicted variant(s) comparable to the one identified in this case have strong previous evidence for pathogenicity. Multiple NMD-predicted variants have been reported in one preprint literature publication in affected individuals. In this publication, eleven NMD-predicted variants were said to be de novo; however, several were inherited with no phenotype information available for the parents (PMID: 40385454); Additional information: This variant is heterozygous; This gene is associated with autosomal dominant disease; This variant has no previous evidence of pathogenicity; No published segregation evidence has been identified for this variant; No published functional evidence has been identified for this variant; Loss of function is a likely mechanism of disease in this gene and is associated with Pilarowski-Bjornsson syndrome (MIM#617682).

Literature cited by the submitters: PubMed 40385454.

NM_001270.4(CHD1):c.2112dup (p.Ser705fs)

Gene: CHD1 (chromodomain helicase DNA binding protein 1; minus strand). Cytogenetic location: 5q15.
Variant type: Duplication.
Coding change: c.2112dup on transcript NM_001270.4 (MANE Select); coding-DNA position 2112, one base duplicated (A; older notation c.2112dupA).
Protein change: p.Ser705fs; shifts the reading frame from serine 705.
Molecular consequence: frameshift variant. On other transcripts: non-coding transcript variant (2).
Genome position (GRCh38, 1-based): chr5:98,892,593, T duplicated on the plus strand (A on the coding strand, the reverse complement: CHD1 is on the minus strand); the first of 5 consecutive T bases (chr5:98,892,593-98,892,597); duplicating any one gives the same sequence. VCF-style (leftmost placement, unchanged base first): chr5-98892592-A-AT. GRCh37 (hg19) VCF-style: chr5-98228296-A-AT.
Other names: c.2112dup, p.Ser705fs (NM_001364113.3, NM_001376194.2); short protein forms S705fs.
Identifiers: ClinVar variation 3254730 (VCV003254730.1), dbSNP rs772328348.